The following is an entry in ClinVar:

ClinVar aggregate classification (germline): Uncertain significance (1 of 4 stars; one submission).

Conditions:
Werner syndrome (WRN). Identifiers: Orphanet 902, MedGen C0043119, MONDO:0010196, OMIM 277700.

Submission:

Labcorp Genetics (formerly Invitae), Labcorp
Classification: Uncertain significance for Werner syndrome. Last evaluated: 2025-01-23. Review status: criteria provided, single submitter. Criteria: Invitae Variant Classification Sherloc (09022015). Collection method: clinical testing. Allele origin: germline.
Comment: This sequence change replaces alanine, which is neutral and non-polar, with threonine, which is neutral and polar, at codon 98 of the WRN protein (p.Ala98Thr). This variant is not present in population databases (gnomAD no frequency). This variant has not been reported in the literature in individuals affected with WRN-related conditions. ClinVar contains an entry for this variant (Variation ID: 1509698). An algorithm developed to predict the effect of missense changes on protein structure and function (PolyPhen-2) suggests that this variant is likely to be disruptive. In summary, the available evidence is currently insufficient to determine the role of this variant in disease. Therefore, it has been classified as a Variant of Uncertain Significance.

NM_000553.6(WRN):c.292G>A (p.Ala98Thr)

Gene: WRN (WRN RecQ like helicase; plus strand). Cytogenetic location: 8p12.
Variant type: single nucleotide variant.
Coding change: c.292G>A on transcript NM_000553.6 (MANE Select); coding-DNA position 292, G replaced by A.
Protein change: p.Ala98Thr; replaces alanine 98 with threonine.
Molecular consequence: missense variant.
Genome position (GRCh38, 1-based): chr8:31,064,371, G>A. VCF-style: chr8-31064371-G-A. GRCh37 (hg19) VCF-style: chr8-30921887-G-A.
Other names: short protein forms A98T.
Identifiers: ClinVar variation 1509698 (VCV001509698.8), dbSNP rs1812612414, ClinGen allele CA370914238.
Genomic context (GRCh38, chr8:31,064,371, plus strand): 5'-GTGGTGGGATTTGACATGGAGTGGCCACCATTATACAATAGAGGGAAACTTGGCAAAGTT[G>A]CACTAATTCAGTTGTGTGTTTCTGAGAGCAAATGTTACTTGTTCCACGTTTCTTCCATGT-3'
Protein context (NP_000544.2, residues 88-108): LYNRGKLGKV[Ala98Thr]LIQLCVSESK